The following is an entry in ClinVar:

NM_005006.7(NDUFS1):c.1546C>T (p.Leu516Phe)

Gene: NDUFS1 (NADH:ubiquinone oxidoreductase core subunit S1; minus strand). Cytogenetic location: 2q33.3.
Variant type: single nucleotide variant.
Coding change: c.1546C>T on transcript NM_005006.7 (MANE Select); coding-DNA position 1546, C replaced by T.
Protein change: p.Leu516Phe; replaces leucine 516 with phenylalanine.
Molecular consequence: missense variant.
Genome position (GRCh38, 1-based): chr2:206,132,952, G>A on the plus strand (C>T on the coding strand, the complement: NDUFS1 is on the minus strand). VCF-style: chr2-206132952-G-A. GRCh37 (hg19) VCF-style: chr2-206997676-G-A.
Other names: c.1438C>T, p.Leu480Phe (NM_001199981.2); c.1213C>T, p.Leu405Phe (NM_001199982.2); c.1375C>T, p.Leu459Phe (NM_001199983.2); c.1588C>T, p.Leu530Phe (NM_001199984.2); short protein forms L405F, L459F, L480F, L516F, L530F.
Identifiers: ClinVar variation 1878621 (VCV001878621.1), dbSNP rs2470017035, ClinGen allele CA350047594.

ClinVar aggregate classification (germline): Uncertain significance (1 of 4 stars; one submission).

Conditions:
Mitochondrial complex I deficiency, nuclear type 5. Also called: Mitochondrial complex 1 deficiency, nuclear type 5. Identifiers: MedGen C4748754, MONDO:0032610, OMIM 618226.

gnomAD v4.1: 2 of 1,612,646 alleles (0.00012%); highest among the groups gnomAD compares: Non-Finnish European, 0.00017%; no homozygotes.

Submission:

Neuberg Centre For Genomic Medicine, NCGM
Classification: Uncertain significance for Mitochondrial complex I deficiency, nuclear type 5. Review status: criteria provided, single submitter. Criteria: ACMG Guidelines, 2015. Collection method: clinical testing. Allele origin: germline. Affected: yes.
Comment: The missense variant p.L516F in NDUFS1 (NM_005006.7) has not been reported previously as a pathogenic variant nor as a benign variant, to our knowledge. The p.L516F variant is novel (not in any individuals) in gnomAD Exomes and is novel (not in any individuals) in 1000 Genomes. There is a small physicochemical difference between leucine and phenylalanine, which is not likely to impact secondary protein structure as these residues share similar properties. The p.L516F missense variant is predicted to be damaging by both SIFT and PolyPhen2. The leucine residue at codon 516 of NDUFS1 is conserved in all mammalian species. The nucleotide c.1546 in NDUFS1 is predicted conserved by GERP++ and PhyloP across 100 vertebrates. For these reasons, this variant has been classified as Uncertain Significance.